The following is an entry in ClinVar:

ClinVar aggregate classification (germline): Uncertain significance (1 of 4 stars; one submission).

Conditions:
NCOA1-related disorder. Also called: NCOA1-related condition.

gnomAD v4.1: 4 of 1,609,822 alleles (0.00025%); highest among the groups gnomAD compares: Non-Finnish European, 0.00034%; no homozygotes.

Submission:

PreventionGenetics, part of Exact Sciences
Classification: Uncertain significance for NCOA1-related condition. Last evaluated: 2026-02-12. Review status: criteria provided, single submitter. Criteria: ACMG Guidelines, 2015. Collection method: clinical testing. Allele origin: germline.
Comment: The NCOA1 c.2887G>A variant is predicted to result in the amino acid substitution p.Gly963Arg. To our knowledge, this variant has not been reported in the literature or in a large population database (gnomAD), indicating this variant is rare. At this time, the clinical significance of this variant is uncertain due to the absence of conclusive functional and genetic evidence.

NM_003743.5(NCOA1):c.2887G>A (p.Gly963Arg)

Gene: NCOA1 (nuclear receptor coactivator 1; plus strand). Cytogenetic location: 2p23.3.
Variant type: single nucleotide variant.
Coding change: c.2887G>A on transcript NM_003743.5 (MANE Select); coding-DNA position 2887, G replaced by A.
Protein change: p.Gly963Arg; replaces glycine 963 with arginine.
Molecular consequence: missense variant.
Genome position (GRCh38, 1-based): chr2:24,729,501, G>A. VCF-style: chr2-24729501-G-A. GRCh37 (hg19) VCF-style: chr2-24952370-G-A.
Other names: c.2887G>A, p.Gly963Arg (NM_001362950.1, NM_001362952.1, NM_001362954.1 and 3 more transcripts); short protein forms G963R.
Identifiers: ClinVar variation 4999131 (VCV004999131.1).